The following is an entry in ClinVar:

NM_000069.3(CACNA1S):c.4245del

Gene: CACNA1S (calcium voltage-gated channel subunit alpha1 S; minus strand). Cytogenetic location: 1q32.1.
Variant type: Deletion.
Coding change: c.4245del on transcript NM_000069.3 (MANE Select); coding-DNA position 4245, one base deleted (G; older notation c.4245delG).
Molecular consequence: splice acceptor variant.
Genome position (GRCh38, 1-based): chr1:201,049,096, C deleted on the plus strand (G on the coding strand, the reverse complement: CACNA1S is on the minus strand); the first of 5 consecutive C bases (chr1:201,049,096-201,049,100); deleting any one gives the same sequence. VCF-style (leftmost placement, unchanged base first): chr1-201049095-TC-T. GRCh37 (hg19) VCF-style: chr1-201018223-TC-T.
Identifiers: ClinVar variation 4757145 (VCV004757145.1).
Genomic context (GRCh38, chr1:201,049,095, plus strand): 5'-CAAAGCCCAGAGGGGGCTGAATCCTTCTCAGCAGGGTCACCACGTCCAGGTGTTTGATTC[TC>T]CCCCTGCGGGAGGACACACAGACTTGTGTACCTGCTACCCTCCTCCGCTGCCAGAACCTT-3'

ClinVar aggregate classification (germline): Uncertain significance (1 of 4 stars; one submission).

Conditions:
Malignant hyperthermia, susceptibility to, 5 (MHS5). Also called: CACNA1S-Related Malignant Hyperthermia Susceptibility. Identifiers: Orphanet 423, MedGen C1866077, MONDO:0011163, OMIM 601887.

Submission:

Color Diagnostics, LLC DBA Color Health
Classification: Uncertain significance for Malignant hyperthermia, susceptibility to, 5. Last evaluated: 2025-07-03. Review status: criteria provided, single submitter. Criteria: ACMG Guidelines, 2015. Collection method: clinical testing. Allele origin: germline.
Comment: This variant deletes 1 nucleotide in exon 35 of the CACNA1S gene, creating a frameshift and premature translation stop signal. This variant is expected to result in an absent or non-functional protein product. To our knowledge, this variant has not been reported in individuals affected with CACNA1S-related disorders in the literature. This variant has not been identified in the general population by the Genome Aggregation Database (gnomAD). Loss of CACNA1S function due to haploinsufficiency is not an established disease mechanism for autosomal dominant malignant hyperthermia susceptibility. Due to insufficient evidence, this variant is classified as a Variant of Uncertain Significance for autosomal dominant malignant hyperthermia.